The following is an entry in ClinVar:

NM_014009.4(FOXP3):c.508A>G (p.Thr170Ala)

Gene: FOXP3 (forkhead box P3; minus strand). Cytogenetic location: Xp11.23.
Variant type: single nucleotide variant.
Coding change: c.508A>G on transcript NM_014009.4 (MANE Select); coding-DNA position 508, A replaced by G.
Protein change: p.Thr170Ala; replaces threonine 170 with alanine.
Molecular consequence: missense variant.
Genome position (GRCh38, 1-based): chrX:49,256,959, T>C on the plus strand (A>G on the coding strand, the complement: FOXP3 is on the minus strand). VCF-style: chrX-49256959-T-C. GRCh37 (hg19) VCF-style: chrX-49113416-T-C.
Other names: c.508A>G (NM_014009.3); c.403A>G, p.Thr135Ala (NM_001114377.2); short protein forms T135A, T170A.
Identifiers: ClinVar variation 1017386 (VCV001017386.9), dbSNP rs782694663, ClinGen allele CA10411788.
Genomic context (GRCh38, chrX:49,256,959, plus strand): 5'-GATCCTTCCCAGCCCTGTCCACTGACCTGTCCTTCCTGGGTGCACTGGGATTTGGGAAGG[T>C]GCAGAGCAGTGCCGGCTCCCTGGACACCCATTCCAGGCTGGCCACGTTGATCCCTGTGGG-3'
Protein context (NP_054728.2, residues 160-180): WVSREPALLC[Thr170Ala]FPNPSAPRKD

ClinVar aggregate classification (germline): Uncertain significance. Review status: criteria provided, multiple submitters, no conflicts (2 of 4 stars). 2 submissions from 2 submitters: Uncertain significance (2). Last evaluated 2026-01-12.

Conditions:
Insulin-dependent diabetes mellitus secretory diarrhea syndrome (IPEX). Also called: IMMUNODEFICIENCY, POLYENDOCRINOPATHY, AND ENTEROPATHY, X-LINKED; DIABETES MELLITUS, CONGENITAL INSULIN-DEPENDENT, WITH FATAL SECRETORY DIARRHEA; DIARRHEA, POLYENDOCRINOPATHY, FATAL INFECTION SYNDROME, X-LINKED; ENTEROPATHY, AUTOIMMUNE, WITH HEMOLYTIC ANEMIA AND POLYENDOCRINOPATHY; IPEX and IPEX-Like; Immunodeficiency, Polyendocrinopathy, and Enteropathy X-Linked Syndrome. Identifiers: Orphanet 37042, MedGen C0342288, MONDO:0010580, OMIM 304790. Disease mechanism: loss of function.
Inborn genetic diseases. Identifiers: MedGen C0950123, MeSH D030342.

Allele frequency attached by ClinVar (database versions not stated): TOPMed below 0.00001; gnomAD 0.00001; gnomAD exomes 0.00001; ExAC 0.00002.
gnomAD v4.1: 1 of 1,209,789 alleles (0.000083%); highest among the groups gnomAD compares: Non-Finnish European, 0.00011%; no homozygotes.

Submissions (2):

Labcorp Genetics (formerly Invitae), Labcorp
Classification: Uncertain significance for Insulin-dependent diabetes mellitus secretory diarrhea syndrome. Last evaluated: 2026-01-12. Review status: criteria provided, single submitter. Criteria: Invitae Variant Classification Sherloc (09022015). Collection method: clinical testing. Allele origin: germline.
Comment: This sequence change replaces threonine, which is neutral and polar, with alanine, which is neutral and non-polar, at codon 170 of the FOXP3 protein (p.Thr170Ala). This variant is present in population databases (rs782694663, gnomAD 0.003%). This variant has not been reported in the literature in individuals affected with FOXP3-related conditions. ClinVar contains an entry for this variant (Variation ID: 1017386). Invitae Evidence Modeling of protein sequence and biophysical properties (such as structural, functional, and spatial information, amino acid conservation, physicochemical variation, residue mobility, and thermodynamic stability) indicates that this missense variant is not expected to disrupt FOXP3 protein function with a negative predictive value of 80%. In summary, the available evidence is currently insufficient to determine the role of this variant in disease. Therefore, it has been classified as a Variant of Uncertain Significance.

Ambry Genetics
Classification: Uncertain significance for Inborn genetic diseases. Last evaluated: 2025-12-11. Review status: criteria provided, single submitter. Criteria: Ambry Variant Classification Scheme 2023. Collection method: clinical testing. Allele origin: germline.